The following is an entry in ClinVar:

ClinVar aggregate classification (germline): Pathogenic (1 of 4 stars; one submission).

Conditions:
Peroxisome biogenesis disorder 5A (Zellweger) (PBD5A). Identifiers: Orphanet 912, MedGen C3553940, MONDO:0013932, OMIM 614866.

Allele frequency attached by ClinVar (database versions not stated): TOPMed below 0.00001.

Submission:

Labcorp Genetics (formerly Invitae), Labcorp
Classification: Pathogenic for Peroxisome biogenesis disorder 5A (Zellweger). Last evaluated: 2024-12-07. Review status: criteria provided, single submitter. Criteria: Invitae Variant Classification Sherloc (09022015). Collection method: clinical testing. Allele origin: germline.
Comment: This sequence change creates a premature translational stop signal (p.Thr38Ilefs*12) in the PEX2 gene. While this is not anticipated to result in nonsense mediated decay, it is expected to disrupt the last 268 amino acid(s) of the PEX2 protein. This variant is not present in population databases (gnomAD no frequency). This variant has not been reported in the literature in individuals affected with PEX2-related conditions. ClinVar contains an entry for this variant (Variation ID: 3013832). This variant disrupts a region of the PEX2 protein in which other variant(s) (p.Leu207Serfs*10) have been determined to be pathogenic (internal data). This suggests that this is a clinically significant region of the protein, and that variants that disrupt it are likely to be disease-causing. For these reasons, this variant has been classified as Pathogenic.

NM_000318.3(PEX2):c.113del (p.Thr38fs)

Gene: PEX2 (peroxisomal biogenesis factor 2; minus strand). Cytogenetic location: 8q21.13.
Variant type: Deletion.
Coding change: c.113del on transcript NM_000318.3 (MANE Select); coding-DNA position 113, one base deleted (C; older notation c.113delC).
Protein change: p.Thr38fs; shifts the reading frame from threonine 38.
Molecular consequence: frameshift variant.
Genome position (GRCh38, 1-based): chr8:76,984,066, G deleted on the plus strand (C on the coding strand, the reverse complement: PEX2 is on the minus strand). VCF-style (leftmost placement, unchanged base first): chr8-76984065-AG-A. GRCh37 (hg19) VCF-style: chr8-77896301-AG-A.
Other names: c.113del, p.Thr38fs (NM_001079867.2, NM_001172086.2, NM_001172087.2); short protein forms T38fs.
Identifiers: ClinVar variation 3013832 (VCV003013832.3), dbSNP rs1806929934, ClinGen allele CA1795351812.
Genomic context (GRCh38, chr8:76,984,065, plus strand): 5'-CGCTTTCACCTCTGGCTCAAAGCGAGCTAACAGCCCAGGTTTAAATCCATGAAAGCACTG[AG>A]TAAACTGGGACCAAACTAGCTGCTCCAGGGCCTTGTTTAGTTCAAGTGCATCCAACTGGC-3'